The following is an entry in ClinVar:

NM_001018113.3(FANCB):c.1216C>T (p.Arg406Trp)

Gene: FANCB (FA complementation group B; minus strand). Cytogenetic location: Xp22.2.
Variant type: single nucleotide variant.
Coding change: c.1216C>T on transcript NM_001018113.3 (MANE Select); coding-DNA position 1216, C replaced by T.
Protein change: p.Arg406Trp; replaces arginine 406 with tryptophan.
Molecular consequence: missense variant.
Genome position (GRCh38, 1-based): chrX:14,853,149, G>A on the plus strand (C>T on the coding strand, the complement: FANCB is on the minus strand). VCF-style: chrX-14853149-G-A. GRCh37 (hg19) VCF-style: chrX-14871271-G-A.
Other names: c.1216C>T, p.Arg406Trp (NM_001324162.2, NM_152633.4); c.1216C>T (NM_001018113.2); short protein forms R406W.
Identifiers: ClinVar variation 1467792 (VCV001467792.14), dbSNP rs1364046604, ClinGen allele CA412442686.

ClinVar aggregate classification (germline): Conflicting classifications of pathogenicity. Review status: criteria provided, conflicting classifications (1 of 4 stars). 5 submissions from 5 submitters: Uncertain significance (3); Likely benign (1). 1 of the submissions does not count toward it. Last evaluated 2025-09-03.

Conditions:
Fanconi anemia complementation group B (FANCB). Also called: FANCB-Related Fanconi Anemia; FANCONI PANCYTOPENIA, TYPE 2. Identifiers: Orphanet 84, MedGen C1845292, MONDO:0010351, OMIM 300514.
Fanconi anemia (FA). Also called: Fanconi's anemia. Identifiers: Orphanet 84, MedGen C0015625, MeSH D005199, MONDO:0019391.
FANCB-related disorder. Also called: FANCB-related condition.

Allele frequency attached by ClinVar (database versions not stated): gnomAD exomes 0.00001; TOPMed 0.00002.
gnomAD v4.1: 12 of 1,203,350 alleles (0.001%); highest among the groups gnomAD compares: Middle Eastern, 0.07%; no homozygotes.

Submissions (5):

Labcorp Genetics (formerly Invitae), Labcorp
Classification: Uncertain significance for Fanconi anemia. Last evaluated: 2025-09-03. Review status: criteria provided, single submitter. Criteria: Invitae Variant Classification Sherloc (09022015). Collection method: clinical testing. Allele origin: germline.
Comment: This sequence change replaces arginine, which is basic and polar, with tryptophan, which is neutral and slightly polar, at codon 406 of the FANCB protein (p.Arg406Trp). This variant is not present in population databases (gnomAD no frequency). This variant has not been reported in the literature in individuals affected with FANCB-related conditions. ClinVar contains an entry for this variant (Variation ID: 1467792). Invitae Evidence Modeling of protein sequence and biophysical properties (such as structural, functional, and spatial information, amino acid conservation, physicochemical variation, residue mobility, and thermodynamic stability) indicates that this missense variant is not expected to disrupt FANCB protein function with a negative predictive value of 80%. In summary, the available evidence is currently insufficient to determine the role of this variant in disease. Therefore, it has been classified as a Variant of Uncertain Significance.

Dasa
Classification: Uncertain significance. Last evaluated: 2025-04-11. Review status: criteria provided, single submitter. Criteria: DASA Assertion Criteria. Collection method: clinical testing. Allele origin: germline.
Comment: NM_001018113.3(FANCB):c.1216C>T (p.Arg406Trp) is a missense variant that results in the substitution of arginine with tryptophan. This variant is rare in population databases. Computational prediction algorithms are consistent with a benign effect. The currently available literature and clinical evidence are not sufficient to establish a definitive association between this variant and the reported condition. Therefore, this variant is classified as a variant of uncertain significance.

Fulgent Genetics
Classification: Uncertain significance for Fanconi anemia complementation group B. Last evaluated: 2024-01-10. Review status: criteria provided, single submitter. Criteria: ACMG Guidelines, 2015. Collection method: clinical testing. Allele origin: germline.

Victorian Clinical Genetics Services, Murdoch Childrens Research Institute
Classification: Likely benign for Fanconi anemia complementation group B. Last evaluated: 2022-02-02. Review status: criteria provided, single submitter. Criteria: ACMG Guidelines, 2015. Collection method: clinical testing. Allele origin: germline. Inheritance: X-linked recessive inheritance. Affected: yes.
Comment: Based on the classification scheme VCGS_Germline_v1.3.4, this variant is classified as Likely Benign. Following criteria are met: 0102 - Loss of function is a known mechanism of disease in this gene and is associated with fanconi anemia, complementation group B (MIM#300514). (I) 0109 - This gene is associated with X-linked recessive disease. (I) 0200 - Variant is predicted to result in a missense amino acid change from arginine to tryptophan. (I) 0253 - This variant is hemizygous. (I) 0304 - Variant is present in gnomAD <0.01 for a recessive condition (v3: 4 heterozygotes, 0 homozygotes, 0 hemizygotes). (SP) 0309 - An alternative amino acid change at the same position has been observed in gnomAD (v3: 1 heterozygote, 0 homozygotes, 1 hemizygotes). (I) 0504 - Same amino acid change has been observed in placental mammals, for a lowly conserved residue. (SB) 0604 - Variant is not located in an established domain, motif, hotspot or informative constraint region. (I) 0705 - No comparable missense variants have previous evidence for pathogenicity. (I) 0807 - This variant has no previous evidence of pathogenicity. (I) 0905 - No published segregation evidence has been identified for this variant. (I) 1007 - No published functional evidence has been identified for this variant. (I) 1208 - Inheritance information for this variant is not currently available in this individual. (I) Legend: (SP) - Supporting pathogenic, (I) - Information, (SB) - Supporting benign

PreventionGenetics, part of Exact Sciences
Classification: Uncertain significance for FANCB-related condition. Last evaluated: 2024-09-06. Review status: no assertion criteria provided. Collection method: clinical testing. Allele origin: germline. Not counted in ClinVar's aggregate classification.
Comment: The FANCB c.1216C>T variant is predicted to result in the amino acid substitution p.Arg406Trp. To our knowledge, this variant has not been reported in the literature or in a large population database, indicating this variant is rare. At this time, the clinical significance of this variant is uncertain due to the absence of conclusive functional and genetic evidence.